The following is an entry in ClinVar:

ClinVar aggregate classification (germline): Uncertain significance (1 of 4 stars; one submission).

Allele frequency attached by ClinVar (database versions not stated): ExAC 0.00006; gnomAD 0.00006; gnomAD exomes 0.00006 and 0.00012; TOPMed 0.00006; ESP Exome Variant Server 0.00015.
gnomAD v4.1: 185 of 1,613,860 alleles (0.011%); highest among the groups gnomAD compares: Non-Finnish European, 0.015%; no homozygotes.

Submission:

Labcorp Genetics (formerly Invitae), Labcorp
Classification: Uncertain significance. Last evaluated: 2025-10-21. Review status: criteria provided, single submitter. Criteria: Invitae Variant Classification Sherloc (09022015). Collection method: clinical testing. Allele origin: germline.
Comment: This sequence change replaces serine, which is neutral and polar, with phenylalanine, which is neutral and non-polar, at codon 18 of the ALDH6A1 protein (p.Ser18Phe). This variant is present in population databases (rs144485979, gnomAD 0.01%). This variant has not been reported in the literature in individuals affected with ALDH6A1-related conditions. ClinVar contains an entry for this variant (Variation ID: 1418575). Invitae Evidence Modeling of protein sequence and biophysical properties (such as structural, functional, and spatial information, amino acid conservation, physicochemical variation, residue mobility, and thermodynamic stability) indicates that this missense variant is not expected to disrupt ALDH6A1 protein function with a negative predictive value of 95%. In summary, the available evidence is currently insufficient to determine the role of this variant in disease. Therefore, it has been classified as a Variant of Uncertain Significance.

NM_005589.4(ALDH6A1):c.53C>T (p.Ser18Phe)

Genes: ALDH6A1 (aldehyde dehydrogenase 6 family member A1; minus strand), BBOF1 (basal body orientation factor 1; plus strand). Cytogenetic location: 14q24.3.
Variant type: single nucleotide variant.
Coding change: c.53C>T on transcript NM_005589.4 (MANE Select); coding-DNA position 53, C replaced by T.
Protein change: p.Ser18Phe; replaces serine 18 with phenylalanine.
Molecular consequence: missense variant. On other transcripts: 5 prime UTR variant (1).
Genome position (GRCh38, 1-based): chr14:74,075,013, G>A on the plus strand (C>T on the coding strand, the complement: ALDH6A1 is on the minus strand). VCF-style: chr14-74075013-G-A. GRCh37 (hg19) VCF-style: chr14-74541716-G-A.
Other names: c.53C>T, p.Ser18Phe (NM_001278593.2); c.-573C>T (NM_001278594.2); short protein forms S18F.
Identifiers: ClinVar variation 1418575 (VCV001418575.6), dbSNP rs144485979, ClinGen allele CA7265966.